The following is an entry in ClinVar:

ClinVar aggregate classification (germline): Uncertain significance (1 of 4 stars; one submission).

Conditions:
Fetal akinesia deformation sequence 1 (FADS1). Also called: Pena-Shokeir syndrome type I; Fetal akinesia sequence. Identifiers: Orphanet 994, MedGen C1276035, MONDO:0100101, OMIM 208150, HP:0001989.
Congenital myasthenic syndrome 10. Also called: Myasthenia, limb-girdle, familial. Identifiers: Orphanet 590, MedGen C1850792, MONDO:0009690, OMIM 254300.

Allele frequency attached by ClinVar (database versions not stated): gnomAD 0.00001; gnomAD exomes 0.00001; TOPMed 0.00001.
gnomAD v4.1: 15 of 1,613,774 alleles (0.00093%); highest among the groups gnomAD compares: Non-Finnish European, 0.0012%; no homozygotes.

Submission:

Labcorp Genetics (formerly Invitae), Labcorp
Classification: Uncertain significance for Congenital myasthenic syndrome 10; Fetal akinesia deformation sequence 1. Last evaluated: 2020-06-24. Review status: criteria provided, single submitter. Criteria: Invitae Variant Classification Sherloc (09022015). Collection method: clinical testing. Allele origin: germline.
Comment: This sequence change replaces arginine with histidine at codon 159 of the DOK7 protein (p.Arg159His). The arginine residue is highly conserved and there is a small physicochemical difference between arginine and histidine. This variant is not present in population databases (ExAC no frequency). This variant has not been reported in the literature in individuals with DOK7-related conditions. Algorithms developed to predict the effect of missense changes on protein structure and function are either unavailable or do not agree on the potential impact of this missense change (SIFT: "Deleterious"; PolyPhen-2: "Probably Damaging"; Align-GVGD: "Class C0"). In summary, the available evidence is currently insufficient to determine the role of this variant in disease. Therefore, it has been classified as a Variant of Uncertain Significance.

NM_173660.5(DOK7):c.476G>A (p.Arg159His)

Gene: DOK7 (docking protein 7; plus strand). Cytogenetic location: 4p16.3.
Variant type: single nucleotide variant.
Coding change: c.476G>A on transcript NM_173660.5 (MANE Select); coding-DNA position 476, G replaced by A.
Protein change: p.Arg159His; replaces arginine 159 with histidine.
Molecular consequence: missense variant. On other transcripts: intron variant (1).
Genome position (GRCh38, 1-based): chr4:3,476,486, G>A. VCF-style: chr4-3476486-G-A. GRCh37 (hg19) VCF-style: chr4-3478213-G-A.
Other names: c.476G>A, p.Arg159His (NM_001164673.2, NM_001301071.2); c.101-9053G>A (NM_001363811.2); short protein forms R159H.
Identifiers: ClinVar variation 1026954 (VCV001026954.7), dbSNP rs1485585052, ClinGen allele CA356114404.